The following is an entry in ClinVar:

ClinVar aggregate classification (germline): Pathogenic. Review status: criteria provided, multiple submitters, no conflicts (2 of 4 stars). 2 submissions from 2 submitters: Pathogenic (2). Last evaluated 2023-10-05.

Conditions:
Polycystic kidney disease 4 (PKD4). Also called: Autosomal Recessive Polycystic Kidney Disease – PKHD1; PKD3; POLYCYSTIC KIDNEY DISEASE 4 WITH OR WITHOUT POLYCYSTIC LIVER DISEASE; POLYCYSTIC KIDNEY AND HEPATIC DISEASE 1; POLYCYSTIC KIDNEY DISEASE, INFANTILE, TYPE I. Identifiers: MedGen C4540575, MONDO:0033004, OMIM 263200.

Submissions (2):

Myriad Genetics, Inc.
Classification: Pathogenic for Polycystic kidney disease 4. Last evaluated: 2023-10-05. Review status: criteria provided, single submitter. Criteria: Myriad Autosomal Dominant, Autosomal Recessive and X-Linked Classification Criteria (2023). Collection method: clinical testing. Allele origin: unknown.
Comment: NM_138694.3(PKHD1):c.2543G>A(W848*) is expected to be pathogenic in the context of autosomal recessive polycystic kidney disease, PKHD1-related. This variant is predicted to lead to an abnormal or absent protein product due to the creation of a premature termination codon in PKHD1, a gene where loss-of-function variants are known to be pathogenic. Please note: this variant was assessed in the context of healthy population screening.

CeGaT Center for Human Genetics Tuebingen
Classification: Pathogenic. Last evaluated: 2018-09-01. Review status: criteria provided, single submitter. Criteria: CeGaT Center For Human Genetics Tuebingen Variant Classification Criteria Version 2. Collection method: clinical testing. Allele origin: germline. Affected: yes. Observed: 2 variant alleles.

NM_138694.4(PKHD1):c.2543G>A (p.Trp848Ter)

Gene: PKHD1 (PKHD1 ciliary IPT domain containing fibrocystin/polyductin; minus strand). Cytogenetic location: 6p12.2.
Variant type: single nucleotide variant.
Coding change: c.2543G>A on transcript NM_138694.4 (MANE Select); coding-DNA position 2543, G replaced by A.
Protein change: p.Trp848Ter; replaces tryptophan 848 with a stop codon.
Molecular consequence: nonsense.
Genome position (GRCh38, 1-based): chr6:52,046,053, C>T on the plus strand (G>A on the coding strand, the complement: PKHD1 is on the minus strand). VCF-style: chr6-52046053-C-T. GRCh37 (hg19) VCF-style: chr6-51910851-C-T.
Other names: c.2543G>A, p.Trp848Ter (NM_170724.3); short protein forms W848*.
Identifiers: ClinVar variation 809945 (VCV000809945.43), dbSNP rs1581928360, ClinGen allele CA364443123.